The following is an entry in ClinVar:

NM_173660.5(DOK7):c.1178T>A (p.Val393Asp)

Gene: DOK7 (docking protein 7; plus strand). Cytogenetic location: 4p16.3.
Variant type: single nucleotide variant.
Coding change: c.1178T>A on transcript NM_173660.5 (MANE Select); coding-DNA position 1178, T replaced by A.
Protein change: p.Val393Asp; replaces valine 393 with aspartic acid.
Molecular consequence: missense variant. On other transcripts: 3 prime UTR variant (1).
Genome position (GRCh38, 1-based): chr4:3,493,164, T>A. VCF-style: chr4-3493164-T-A. GRCh37 (hg19) VCF-style: chr4-3494891-T-A.
Other names: c.*399T>A (NM_001164673.2); c.248T>A, p.Val83Asp (NM_001256896.2); c.1178T>A, p.Val393Asp (NM_001301071.2); c.746T>A, p.Val249Asp (NM_001363811.2); short protein forms V249D, V393D, V83D.
Identifiers: ClinVar variation 1032539 (VCV001032539.1), dbSNP rs752627566, ClinGen allele CA2829398.

ClinVar aggregate classification (germline): Uncertain significance (1 of 4 stars; one submission).

Conditions:
Fetal akinesia deformation sequence 1 (FADS1). Also called: Fetal akinesia sequence; Pena-Shokeir syndrome type I. Identifiers: Orphanet 994, MedGen C1276035, MONDO:0100101, OMIM 208150, HP:0001989.

Allele frequency attached by ClinVar (database versions not stated): gnomAD exomes below 0.00001 and 0.00001; gnomAD 0.00001; ExAC 0.00003.
gnomAD v4.1: 7 of 1,607,292 alleles (0.00044%); highest among the groups gnomAD compares: East Asian, 0.011%; no homozygotes.

Submission:

Baylor Genetics
Classification: Uncertain significance for Fetal akinesia deformation sequence 1. Last evaluated: 2018-01-24. Review status: criteria provided, single submitter. Criteria: ACMG Guidelines, 2015. Collection method: clinical testing. Allele origin: unknown. Affected: yes.
Comment: This variant was determined to be of uncertain significance according to ACMG Guidelines, 2015 [PMID:25741868].